The following is an entry in ClinVar:

NM_001278716.2(FBXL4):c.682G>A (p.Val228Met)

Gene: FBXL4 (F-box and leucine rich repeat protein 4; minus strand). Cytogenetic location: 6q16.2.
Variant type: single nucleotide variant.
Coding change: c.682G>A on transcript NM_001278716.2 (MANE Select); coding-DNA position 682, G replaced by A.
Protein change: p.Val228Met; replaces valine 228 with methionine.
Molecular consequence: missense variant.
Genome position (GRCh38, 1-based): chr6:98,917,550, C>T on the plus strand (G>A on the coding strand, the complement: FBXL4 is on the minus strand). VCF-style: chr6-98917550-C-T. GRCh37 (hg19) VCF-style: chr6-99365426-C-T.
Other names: c.682G>A, p.Val228Met (NM_012160.5); c.682G>A (NM_012160.3); short protein forms V228M.
Identifiers: ClinVar variation 437616 (VCV000437616.2), dbSNP rs202033721, ClinGen allele CA3933637.

ClinVar aggregate classification (germline): Uncertain significance. Review status: criteria provided, multiple submitters, no conflicts (2 of 4 stars). 2 submissions from 2 submitters: Uncertain significance (2). Last evaluated 2025-08-14.

Conditions:
Mitochondrial DNA depletion syndrome 13. Also called: FBXL4-Related Encephalomyopathic Mitochondrial DNA Depletion Syndrome; Mitochondrial DNA depletion syndrome 13 (encephalomyopathic type). Identifiers: Orphanet 369897, MedGen C3809592, MONDO:0014198, OMIM 615471.

Allele frequency attached by ClinVar (database versions not stated): gnomAD exomes 0.00001 and 0.00002; ExAC 0.00002; TOPMed 0.00005; gnomAD 0.00006; ESP Exome Variant Server 0.00008.

Submissions (2):

GeneDx
Classification: Uncertain significance. Last evaluated: 2025-08-14. Review status: criteria provided, single submitter. Criteria: GeneDx Variant Classification Process June 2021. Collection method: clinical testing. Allele origin: germline. Affected: yes.
Comment: In silico analysis suggests that this missense variant does not alter protein structure/function; Has not been previously published as pathogenic or benign to our knowledge

Wong Mito Lab, Molecular and Human Genetics, Baylor College of Medicine
Classification: Uncertain significance for Mitochondrial DNA depletion syndrome 13. Last evaluated: 2017-08-10. Review status: criteria provided, single submitter. Criteria: ACMG Guidelines, 2015. Collection method: reference population. Allele origin: germline.
Comment: The NM_012160.4:c.682G>A (NP_036292.2:p.Val228Met) [GRCH38: NC_000006.12:g.98917550C>T] variant in FBXL4 gene is interpretated to be a Uncertain Significance - Insufficient Evidence based on ACMG guidelines (PMID: 25741868). This variant meets one or more of the following evidence codes reported in the ACMG-guideline. PM2:This variant is absent in key population databases. Based on this evidence code ClinGen Pathogenicity Calculator (PMID:28081714) suggested that the variant is Uncertain Significance - Insufficient Evidence.